The following is an entry in ClinVar:

ClinVar aggregate classification (germline): Conflicting classifications of pathogenicity. Review status: criteria provided, conflicting classifications (1 of 4 stars). 2 submissions from 2 submitters: Uncertain significance (1); Likely benign (1). Last evaluated 2025-10-13.

Conditions:
COL4A5-related disorder. Also called: COL4A5-related condition.

gnomAD v4.1: 13 of 1,191,713 alleles (0.0011%); highest among the groups gnomAD compares: Non-Finnish European, 0.0015%; no homozygotes.

Submissions (2):

Women's Health and Genetics/Laboratory Corporation of America, LabCorp
Classification: Uncertain significance. Last evaluated: 2025-10-13. Review status: criteria provided, single submitter. Criteria: LabCorp Variant Classification Summary - May 2015. Collection method: clinical testing. Allele origin: germline.

PreventionGenetics, part of Exact Sciences
Classification: Likely benign for COL4A5-related condition. Last evaluated: 2024-11-20. Review status: criteria provided, single submitter. Criteria: ACMG Guidelines, 2015. Collection method: clinical testing. Allele origin: germline.
Comment: This variant is classified as likely benign based on ACMG/AMP sequence variant interpretation guidelines (Richards et al. 2015 PMID: 25741868, with internal and published modifications).

NM_033380.3(COL4A5):c.141+6G>A

Gene: COL4A5 (collagen type IV alpha 5 chain; plus strand). Cytogenetic location: Xq22.3.
Variant type: single nucleotide variant.
Coding change: c.141+6G>A on transcript NM_033380.3 (MANE Select); 6 bases into the intron after coding-DNA position 141, G replaced by A.
Molecular consequence: intron variant.
Genome position (GRCh38, 1-based): chrX:108,539,811, G>A. VCF-style: chrX-108539811-G-A. GRCh37 (hg19) VCF-style: chrX-107783041-G-A.
Other names: c.141+6G>A (NM_000495.4, NM_000495.5).
Identifiers: ClinVar variation 4687353 (VCV004687353.2).